The following is an entry in ClinVar:

ClinVar aggregate classification (germline): Uncertain significance. Review status: criteria provided, multiple submitters, no conflicts (2 of 4 stars). 2 submissions from 2 submitters: Uncertain significance (2). Last evaluated 2026-07-23.

Conditions:
KANK1-related disorder. Also called: KANK1-related condition.

Submissions (2):

PreventionGenetics, part of Exact Sciences
Classification: Uncertain significance for KANK1-related condition. Last evaluated: 2026-07-23. Review status: criteria provided, single submitter. Criteria: ACMG Guidelines, 2015. Collection method: clinical testing. Allele origin: germline.
Comment: The KANK1 c.743T>G variant is predicted to result in the amino acid substitution p.Ile248Ser. To our knowledge, this variant has not been reported in the literature. This variant is reported in 0.0026% of alleles in individuals of European (Non-Finnish) descent in gnomAD. At this time, the clinical significance of this variant is uncertain due to the absence of conclusive functional and genetic evidence.

Ambry Genetics
Classification: Uncertain significance. Last evaluated: 2024-12-31. Review status: criteria provided, single submitter. Criteria: Ambry Variant Classification Scheme 2023. Collection method: clinical testing. Allele origin: germline.

NM_015158.5(KANK1):c.743T>G (p.Ile248Ser)

Gene: KANK1 (KN motif and ankyrin repeat domains 1; plus strand). Cytogenetic location: 9p24.3.
Variant type: single nucleotide variant.
Coding change: c.743T>G on transcript NM_015158.5 (MANE Select); coding-DNA position 743, T replaced by G.
Protein change: p.Ile248Ser; replaces isoleucine 248 with serine.
Molecular consequence: missense variant. On other transcripts: non-coding transcript variant (1).
Genome position (GRCh38, 1-based): chr9:711,509, T>G. VCF-style: chr9-711509-T-G. GRCh37 (hg19) VCF-style: chr9-711509-T-G.
Other names: c.743T>G (NM_015158.3); c.743T>G, p.Ile248Ser (NM_001256877.3, NM_001354331.2, NM_001354332.2 and 2 more transcripts); c.269T>G, p.Ile90Ser (NM_001354333.2, NM_001354335.2, NM_001354336.2 and 9 more transcripts); short protein forms I90S, I248S.
Identifiers: ClinVar variation 3862373 (VCV003862373.2).